The following is an entry in ClinVar:

ClinVar aggregate classification (germline): Uncertain significance (1 of 4 stars; one submission).

Conditions:
Inborn genetic diseases. Identifiers: MedGen C0950123, MeSH D030342.

gnomAD v4.1: 2 of 1,613,774 alleles (0.00012%); highest among the groups gnomAD compares: Admixed American, 0.0017%; no homozygotes.

Submission:

Ambry Genetics
Classification: Uncertain significance for Inborn genetic diseases. Last evaluated: 2025-07-25. Review status: criteria provided, single submitter. Criteria: Ambry Variant Classification Scheme 2023. Collection method: clinical testing. Allele origin: germline.
Comment: The p.E427K variant (also known as c.1279G>A), located in coding exon 10 of the BMPR2 gene, results from a G to A substitution at nucleotide position 1279. The glutamic acid at codon 427 is replaced by lysine, an amino acid with similar properties. This amino acid position is conserved. In addition, the in silico prediction for this alteration is inconclusive. Based on the available evidence, the clinical significance of this variant remains unclear.

NM_001204.7(BMPR2):c.1279G>A (p.Glu427Lys)

Gene: BMPR2 (bone morphogenetic protein receptor type 2; plus strand). Cytogenetic location: 2q33.2.
Variant type: single nucleotide variant.
Coding change: c.1279G>A on transcript NM_001204.7 (MANE Select); coding-DNA position 1279, G replaced by A.
Protein change: p.Glu427Lys; replaces glutamic acid 427 with lysine.
Molecular consequence: missense variant.
Genome position (GRCh38, 1-based): chr2:202,542,313, G>A. VCF-style: chr2-202542313-G-A. GRCh37 (hg19) VCF-style: chr2-203407036-G-A.
Other names: short protein forms E427K.
Identifiers: ClinVar variation 4214463 (VCV004214463.1).